The following is an entry in ClinVar:

NM_006949.4(STXBP2):c.1494C>A (p.Phe498Leu)

Gene: STXBP2 (syntaxin binding protein 2; plus strand). Cytogenetic location: 19p13.2.
Variant type: single nucleotide variant.
Coding change: c.1494C>A on transcript NM_006949.4 (MANE Select); coding-DNA position 1494, C replaced by A.
Protein change: p.Phe498Leu; replaces phenylalanine 498 with leucine.
Molecular consequence: missense variant. On other transcripts: non-coding transcript variant (1).
Genome position (GRCh38, 1-based): chr19:7,647,203, C>A. VCF-style: chr19-7647203-C-A. GRCh37 (hg19) VCF-style: chr19-7712089-C-A.
Other names: p.Phe498Leu; c.1485C>A, p.Phe495Leu (NM_001127396.3); c.1527C>A, p.Phe509Leu (NM_001272034.2); c.1398C>A, p.Phe466Leu (NM_001414484.1); short protein forms F466L, F495L, F498L, F509L.
Identifiers: ClinVar variation 3380570 (VCV003380570.1).

ClinVar aggregate classification (germline): Uncertain significance (1 of 4 stars; one submission).

Submission:

Mayo Clinic Laboratories, Mayo Clinic
Classification: Uncertain significance. Last evaluated: 2023-10-06. Review status: criteria provided, single submitter. Criteria: ACMG Guidelines, 2015. Collection method: clinical testing. Allele origin: germline. Observed: 1 variant allele.
Comment: PM2